The following is an entry in ClinVar:

ClinVar aggregate classification (germline): Likely benign (0 of 4 stars; one submission).

Conditions:
ARHGAP26-related disorder. Also called: ARHGAP26-related condition.

Allele frequency attached by ClinVar (database versions not stated): ExAC 0.00035; 1000 Genomes Project 30x 0.00078; 1000 Genomes Project 0.00080; ESP Exome Variant Server 0.00108; gnomAD 0.00112; TOPMed 0.00133.
gnomAD v4.1: 338 of 1,613,784 alleles (0.021%); highest among the groups gnomAD compares: African/African-American, 0.38%; 2 homozygotes.

Submission:

PreventionGenetics, part of Exact Sciences
Classification: Likely benign for ARHGAP26-related condition. Last evaluated: 2019-08-09. Review status: no assertion criteria provided. Collection method: clinical testing. Allele origin: germline.
Comment: This variant is classified as likely benign based on ACMG/AMP sequence variant interpretation guidelines (Richards et al. 2015 PMID: 25741868, with internal and published modifications).

NM_001135608.3(ARHGAP26):c.1669A>G (p.Ile557Val)

Gene: ARHGAP26 (Rho GTPase activating protein 26; plus strand). Cytogenetic location: 5q31.3.
Variant type: single nucleotide variant.
Coding change: c.1669A>G on transcript NM_001135608.3 (MANE Select); coding-DNA position 1669, A replaced by G.
Protein change: p.Ile557Val; replaces isoleucine 557 with valine.
Molecular consequence: missense variant. On other transcripts: non-coding transcript variant (1).
Genome position (GRCh38, 1-based): chr5:143,121,118, A>G. VCF-style: chr5-143121118-A-G. GRCh37 (hg19) VCF-style: chr5-142500683-A-G.
Other names: c.1561A>G, p.Ile521Val (NM_001349547.2); c.1669A>G, p.Ile557Val (NM_015071.6); short protein forms I521V, I557V.
Identifiers: ClinVar variation 3049732 (VCV003049732.2), dbSNP rs141872257, ClinGen allele CA3486406.